The following is an entry in ClinVar:

ClinVar aggregate classification (germline): Uncertain significance (1 of 4 stars; one submission).

gnomAD v4.1: 1 of 1,614,034 alleles (0.000062%); highest among the groups gnomAD compares: African/African-American, 0.0013%; no homozygotes.

Submission:

Ambry Genetics
Classification: Uncertain significance. Last evaluated: 2023-07-27. Review status: criteria provided, single submitter. Criteria: Ambry Variant Classification Scheme 2023. Collection method: clinical testing. Allele origin: germline.
Comment: The p.A1243T variant (also known as c.3727G>A), located in coding exon 4 of the ALPK2 gene, results from a G to A substitution at nucleotide position 3727. The alanine at codon 1243 is replaced by threonine, an amino acid with similar properties. This amino acid position is conserved. In addition, this alteration is predicted to be tolerated by in silico analysis. Since supporting evidence is limited at this time, the clinical significance of this alteration remains unclear.

NM_052947.4(ALPK2):c.3727G>A (p.Ala1243Thr)

Genes: ALPK2 (alpha kinase 2; minus strand), LOC126862764 (BRD4-independent group 4 enhancer GRCh37_chr18:56202574-56203773; plus strand). Cytogenetic location: 18q21.31.
Variant type: single nucleotide variant.
Coding change: c.3727G>A on transcript NM_052947.4 (MANE Select); coding-DNA position 3727, G replaced by A.
Protein change: p.Ala1243Thr; replaces alanine 1243 with threonine.
Molecular consequence: missense variant.
Genome position (GRCh38, 1-based): chr18:58,536,460, C>T on the plus strand (G>A on the coding strand, the complement: ALPK2 is on the minus strand). VCF-style: chr18-58536460-C-T. GRCh37 (hg19) VCF-style: chr18-56203692-C-T.
Other names: short protein forms A1243T.
Identifiers: ClinVar variation 2626006 (VCV002626006.2), dbSNP rs2518876064, ClinGen allele CA402565876.
Genomic context (GRCh38, chr18:58,536,460, plus strand): 5'-CTGATGCCTTGCTCTCAGAATTTGTCAGTTGTCGTGGTGGCCAGATTTCAGAAGCGGAAG[C>T]CTCTAGAGTTATAATCTTCAGCTTGTTGCCTGCCTCCCAATTTCCAGGTCTATATTCTTT-3'
Protein context (NP_443179.3, residues 1233-1253): GNKLKIITLE[Ala1243Thr]SASEIWPPRQ